The following is an entry in ClinVar:

ClinVar aggregate classification (germline): Uncertain significance (1 of 4 stars; one submission).

Conditions:
Familial adenomatous polyposis 1 (FAP1). Also called: FAMILIAL ADENOMATOUS POLYPOSIS 1, ATTENUATED; POLYPOSIS, ADENOMATOUS INTESTINAL. Identifiers: MedGen C2713442, MONDO:0021056, OMIM 175100. Disease mechanism: loss of function.

Allele frequency attached by ClinVar (database versions not stated): gnomAD 0.00003; TOPMed below 0.00001.

Submission:

Labcorp Genetics (formerly Invitae), Labcorp
Classification: Uncertain significance for Familial adenomatous polyposis 1. Last evaluated: 2025-01-02. Review status: criteria provided, single submitter. Criteria: Invitae Variant Classification Sherloc (09022015). Collection method: clinical testing. Allele origin: germline.
Comment: This variant occurs in a non-coding region of the APC gene. It does not change the encoded amino acid sequence of the APC protein. This variant is present in population databases (no rsID available, gnomAD 0.007%). This variant has not been reported in the literature in individuals affected with APC-related conditions. ClinVar contains an entry for this variant (Variation ID: 469892). Experimental studies and prediction algorithms are not available or were not evaluated, and the functional significance of this variant is currently unknown. In summary, the available evidence is currently insufficient to determine the role of this variant in disease. Therefore, it has been classified as a Variant of Uncertain Significance.

NC_000005.10:g.112707370C>T

Gene: APC (APC regulator of Wnt signaling pathway; plus strand). Cytogenetic location: 5q22.2.
Variant type: single nucleotide variant.
Genome position: GRCh38 VCF-style: chr5-112707370-C-T. GRCh37 (hg19) VCF-style: chr5-112043067-C-T.
Identifiers: ClinVar variation 469892 (VCV000469892.10), dbSNP rs1273083857, ClinGen allele CA561890078.
Genomic context (GRCh38, chr5:112,707,370, plus strand): 5'-GGCTGCAGCACAATTCAGAGAAGGCCAGTAAGTGCTGCAACTGAGACTCGGCTGCCTAGG[C>T]AGCAATGGCTCACGGGACAGAACAGCGAAGCAGTGCCCGGCAAGCGGAGCGCAGCACCCA-3'